The following is an entry in ClinVar:

NM_006030.4(CACNA2D2):c.2582C>T (p.Pro861Leu)

Genes: CACNA2D2 (calcium voltage-gated channel auxiliary subunit alpha2delta 2; minus strand), LOC101928965 (uncharacterized LOC101928965; plus strand), LOC127898564 (CYB561D2-LOC101928965; plus strand). Cytogenetic location: 3p21.31.
Variant type: single nucleotide variant.
Coding change: c.2582C>T on transcript NM_006030.4 (MANE Select); coding-DNA position 2582, C replaced by T.
Protein change: p.Pro861Leu; replaces proline 861 with leucine.
Molecular consequence: missense variant.
Genome position (GRCh38, 1-based): chr3:50,366,838, G>A on the plus strand (C>T on the coding strand, the complement: CACNA2D2 is on the minus strand). VCF-style: chr3-50366838-G-A. GRCh37 (hg19) VCF-style: chr3-50404269-G-A.
Other names: c.2582C>T, p.Pro861Leu (NM_001005505.3); c.2603C>T, p.Pro868Leu (NM_001174051.3); c.2375C>T, p.Pro792Leu (NM_001291101.1); short protein forms P861L, P868L, P792L.
Identifiers: ClinVar variation 644402 (VCV000644402.4), dbSNP rs1391105064, ClinGen allele CA352907949.

ClinVar aggregate classification (germline): Uncertain significance (1 of 4 stars; one submission).

Conditions:
Developmental and epileptic encephalopathy. Identifiers: MedGen C5779964, MONDO:0100620.

Allele frequency attached by ClinVar (database versions not stated): gnomAD 0.00002; TOPMed 0.00002; gnomAD exomes below 0.00001.
gnomAD v4.1: 40 of 1,613,394 alleles (0.0025%); highest among the groups gnomAD compares: Non-Finnish European, 0.0031%; no homozygotes.

Submission:

Labcorp Genetics (formerly Invitae), Labcorp
Classification: Uncertain significance for Early-infantile DEE. Last evaluated: 2022-08-20. Review status: criteria provided, single submitter. Criteria: Invitae Variant Classification Sherloc (09022015). Collection method: clinical testing. Allele origin: germline.
Comment: This sequence change replaces proline, which is neutral and non-polar, with leucine, which is neutral and non-polar, at codon 861 of the CACNA2D2 protein (p.Pro861Leu). This variant is present in population databases (no rsID available, gnomAD 0.0009%). This variant has not been reported in the literature in individuals affected with CACNA2D2-related conditions. ClinVar contains an entry for this variant (Variation ID: 644402). Algorithms developed to predict the effect of missense changes on protein structure and function (SIFT, PolyPhen-2, Align-GVGD) all suggest that this variant is likely to be tolerated. In summary, the available evidence is currently insufficient to determine the role of this variant in disease. Therefore, it has been classified as a Variant of Uncertain Significance.